The following is an entry in ClinVar:

ClinVar aggregate classification (germline): Pathogenic/Likely pathogenic. Review status: criteria provided, multiple submitters, no conflicts (2 of 4 stars). 2 submissions from 2 submitters: Pathogenic (1); Likely pathogenic (1). Last evaluated 2026-01-26.

Conditions:
Hereditary breast ovarian cancer syndrome. Also called: Hereditary breast and ovarian cancer syndrome; Hereditary breast and ovarian cancer; Hereditary breast and ovarian cancer syndrome (HBOC); Breast and ovarian cancer; Hereditary breast and/or ovarian cancer syndrome; BRCA1- and BRCA2-Associated Hereditary Breast and Ovarian Cancer. Identifiers: Orphanet 145, MedGen C0677776, MeSH D061325, MONDO:0003582. Disease mechanism: loss of function.
Hereditary cancer-predisposing syndrome. Also called: Neoplastic Syndromes, Hereditary; Tumor predisposition; Hereditary Cancer Syndrome; Hereditary neoplastic syndrome. Identifiers: Orphanet 140162, MedGen C0027672, MeSH D009386, MONDO:0015356.

Submissions (2):

Ambry Genetics
Classification: Likely pathogenic for Hereditary cancer-predisposing syndrome. Last evaluated: 2026-01-26. Review status: criteria provided, single submitter. Criteria: Ambry Variant Classification Scheme 2023. Collection method: clinical testing. Allele origin: germline.
Comment: The c.8487G>C variant (also known as p.Q2829H), located in coding exon 18 of the BRCA2 gene, results from a G to C substitution at nucleotide position 8487. The amino acid change results in glutamine to histidine at codon 2829, an amino acid with highly similar properties. However, this change occurs in the last base pair of coding exon 18, which makes it likely to have some effect on normal mRNA splicing. RNA studies have demonstrated that this variant results in abnormal splicing in the set of samples tested (Houdayer C et al. Hum Mutat, 2012 Aug;33:1228-38). Two saturation genome editing-based studies, including a haploid cell-survival assay and a humanized mouse embryonic stem cell line assay of drug response and survival, demonstrate that this nucleotide substitution is non-functional (Huang H et al. Nature. 2025 Feb;638(8050):528-537; Sahu S et al. Nature. 2025 Feb;638(8050):538-545). This variant is considered to be rare based on population cohorts in the Genome Aggregation Database (gnomAD). This nucleotide position is highly conserved in available vertebrate species. This amino acid position is well conserved in available vertebrate species. In silico splice site analysis predicts that this alteration will weaken the native splice donor site. In addition, as a missense substitution this is predicted to be inconclusive by in silico analysis. Based on the majority of available evidence to date, this variant is likely to be pathogenic.

Women's Health and Genetics/Laboratory Corporation of America, LabCorp
Classification: Pathogenic for Hereditary breast ovarian cancer syndrome. Last evaluated: 2025-10-29. Review status: criteria provided, single submitter. Criteria: LabCorp Variant Classification Summary - May 2015. Collection method: clinical testing. Allele origin: germline.
Comment: Variant summary: BRCA2 c.8487G>C (p.Gln2829His) results in a non-conservative amino acid change in the encoded protein sequence. Algorithms developed to predict the effect of missense changes on protein structure and function all suggest that this variant is likely to be disruptive. Computational tools predict a significant impact on normal splicing: Three predict the variant weakens a canonical 5' donor site. At least one publication reports experimental evidence that this variant affects mRNA splicing (Houdayer_2012). The variant was absent in 251280 control chromosomes (gnomAD). To our knowledge, no occurrence of c.8487G>C in individuals affected with BRCA2-related conditions has been reported. Other variants affecting the same codon and splice site have been determined to be pathogenic/likely pathogenic by our lab (c.8487G>T/p.Gln2829His, c.8486A>G/p.Gln4849Arg). The following publication has been ascertained in the context of this evaluation (PMID: 22505045). No submitters have cited clinical-significance assessments for this variant to ClinVar. Based on the evidence outlined above, the variant was classified as pathogenic.

Literature cited by the submitters: PubMed 22505045 (cited by Ambry Genetics and Women's Health and Genetics/Laboratory Corporation of America, LabCorp); PubMed 39779848 (cited by Ambry Genetics).

NM_000059.4(BRCA2):c.8487G>C (p.Gln2829His)

Gene: BRCA2 (BRCA2 DNA repair associated; plus strand). Cytogenetic location: 13q13.1.
Variant type: single nucleotide variant.
Coding change: c.8487G>C on transcript NM_000059.4 (MANE Select); coding-DNA position 8487, G replaced by C.
Protein change: p.Gln2829His; replaces glutamine 2829 with histidine.
Molecular consequence: missense variant. On other transcripts: non-coding transcript variant (1).
Genome position (GRCh38, 1-based): chr13:32,370,557, G>C. VCF-style: chr13-32370557-G-C. GRCh37 (hg19) VCF-style: chr13-32944694-G-C.
Other names: c.8391G>C, p.Gln2797His (NM_001406719.1); c.8487G>C, p.Gln2829His (NM_001406720.1, NM_001432077.1); c.3555G>C, p.Gln1185His (NM_001406721.1); c.2070G>C, p.Gln690His (NM_001406722.1); short protein forms Q1185H, Q2797H, Q2829H, Q690H.
Identifiers: ClinVar variation 4687466 (VCV004687466.2).